The following is an entry in ClinVar:

NM_000048.4(ASL):c.791_792del (p.Cys264fs)

Gene: ASL (argininosuccinate lyase; plus strand). Cytogenetic location: 7q11.21.
Variant type: Deletion.
Coding change: c.791_792del on transcript NM_000048.4 (MANE Select); coding-DNA positions 791 to 792, 2 bases deleted (GC; older notation c.791_792delGC).
Protein change: p.Cys264fs; shifts the reading frame from cysteine 264.
Molecular consequence: frameshift variant.
Genome position (GRCh38, 1-based): chr7:66,088,879-66,088,880, GC deleted. VCF-style (leftmost placement, unchanged base first): chr7-66088878-TGC-T. GRCh37 (hg19) VCF-style: chr7-65553865-TGC-T.
Other names: c.791_792del, p.Cys264fs (NM_001024943.2, NM_001024944.2); c.713_714del, p.Cys238fs (NM_001024946.2); short protein forms C238fs, C264fs.
Identifiers: ClinVar variation 5011372 (VCV005011372.1).

ClinVar aggregate classification (germline): Pathogenic (1 of 4 stars; one submission).

Conditions:
Argininosuccinate lyase deficiency. Also called: ARGININOSUCCINIC ACID LYASE DEFICIENCY; ASL DEFICIENCY; Argininosuccinic aciduria. Identifiers: Orphanet 23, MedGen C0268547, MONDO:0008815, OMIM 207900, HP:0025630.

Submission:

Myriad Genetics, Inc.
Classification: Pathogenic for Argininosuccinate lyase deficiency. Last evaluated: 2023-08-17. Review status: criteria provided, single submitter. Criteria: Myriad Autosomal Dominant, Autosomal Recessive and X-Linked Classification Criteria (2023). Collection method: clinical testing. Allele origin: unknown.
Comment: NM_001024943.1(ASL):c.791_792delGC(C264Yfs*70) is expected to be pathogenic in the context of argininosuccinic aciduria. This variant is predicted to lead to an abnormal or absent protein product due to the creation of a premature termination codon in ASL, a gene where loss-of-function variants are known to be pathogenic. Please note: this variant was assessed in the context of healthy population screening.